The following is an entry in ClinVar:

ClinVar aggregate classification (germline): Uncertain significance (1 of 4 stars; one submission).

gnomAD v4.1: 2 of 1,614,174 alleles (0.00012%); highest among the groups gnomAD compares: Non-Finnish European, 0.00017%; no homozygotes.

Submission:

Labcorp Genetics (formerly Invitae), Labcorp
Classification: Uncertain significance. Last evaluated: 2021-09-02. Review status: criteria provided, single submitter. Criteria: Invitae Variant Classification Sherloc (09022015). Collection method: clinical testing. Allele origin: germline.
Comment: This sequence change replaces leucine with arginine at codon 565 of the MYO5B protein (p.Leu565Arg). The leucine residue is highly conserved and there is a moderate physicochemical difference between leucine and arginine. This variant is not present in population databases (ExAC no frequency). This missense change has been observed in individual(s) with clinical features of cholestasis (Invitae). In at least one individual the data is consistent with the variant being in trans (on the opposite chromosome) from a pathogenic variant. Algorithms developed to predict the effect of missense changes on protein structure and function are either unavailable or do not agree on the potential impact of this missense change (SIFT: "Deleterious"; PolyPhen-2: "Probably Damaging"; Align-GVGD: "Class C0"). In summary, the available evidence is currently insufficient to determine the role of this variant in disease. Therefore, it has been classified as a Variant of Uncertain Significance.

NM_001080467.3(MYO5B):c.1694T>G (p.Leu565Arg)

Gene: MYO5B (myosin VB; minus strand). Cytogenetic location: 18q21.1.
Variant type: single nucleotide variant.
Coding change: c.1694T>G on transcript NM_001080467.3 (MANE Select); coding-DNA position 1694, T replaced by G.
Protein change: p.Leu565Arg; replaces leucine 565 with arginine.
Molecular consequence: missense variant.
Genome position (GRCh38, 1-based): chr18:49,953,318, A>C on the plus strand (T>G on the coding strand, the complement: MYO5B is on the minus strand). VCF-style: chr18-49953318-A-C. GRCh37 (hg19) VCF-style: chr18-47479688-A-C.
Other names: short protein forms L565R.
Identifiers: ClinVar variation 1053689 (VCV001053689.6), dbSNP rs2144244124, ClinGen allele CA402449278.